The following is an entry in ClinVar:

NM_001384910.1(GUCA1A):c.432C>G (p.Asp144Glu)

Genes: GUCA1A (guanylate cyclase activator 1A; plus strand), GUCA1ANB-GUCA1A (GUCA1ANB-GUCA1A readthrough; plus strand). Cytogenetic location: 6p21.1.
Variant type: single nucleotide variant.
Coding change: c.432C>G on transcript NM_001384910.1 (MANE Select); coding-DNA position 432, C replaced by G.
Protein change: p.Asp144Glu; replaces aspartic acid 144 with glutamic acid.
Molecular consequence: missense variant.
Genome position (GRCh38, 1-based): chr6:42,178,882, C>G. VCF-style: chr6-42178882-C-G. GRCh37 (hg19) VCF-style: chr6-42146620-C-G.
Other names: c.432C>G, p.Asp144Glu (NM_000409.5, NM_001319061.2, NM_001319062.2); short protein forms D144E.
Identifiers: ClinVar variation 1382604 (VCV001382604.6), dbSNP rs1263382505, ClinGen allele CA364110002.
Genomic context (GRCh38, chr6:42,178,882, plus strand): 5'-CTGCAGCGATACCACCATGACTGCAGAGGAGTTCACCGATACAGTGTTCTCCAAGATTGA[C>G]GTCAACGGGGATGGTGAGGGGGCCGAGGAGGGGCTCCCCAGCGGAGGGGTCACCATGGAT-3'
Protein context (NP_001371839.1, residues 134-154): EFTDTVFSKI[Asp144Glu]VNGDGELSLE

ClinVar aggregate classification (germline): Uncertain significance (1 of 4 stars; one submission).

Submission:

Labcorp Genetics (formerly Invitae), Labcorp
Classification: Uncertain significance. Last evaluated: 2021-03-27. Review status: criteria provided, single submitter. Criteria: Invitae Variant Classification Sherloc (09022015). Collection method: clinical testing. Allele origin: germline.
Comment: In summary, the available evidence is currently insufficient to determine the role of this variant in disease. Therefore, it has been classified as a Variant of Uncertain Significance. This variant disrupts the p.Asp144 amino acid residue in GUCA1A. Other variant(s) that disrupt this residue have been determined to be pathogenic (PMID: 32025184). This suggests that this residue is clinically significant, and that variants that disrupt this residue are likely to be disease-causing. Algorithms developed to predict the effect of missense changes on protein structure and function are either unavailable or do not agree on the potential impact of this missense change (SIFT: "Not Available"; PolyPhen-2: "Probably Damaging"; Align-GVGD: "Not Available"). This variant has been observed in individual(s) with GUCA1A-related conditions (Invitae). This variant is not present in population databases (ExAC no frequency). This sequence change replaces aspartic acid with glutamic acid at codon 144 of the GUCA1A protein (p.Asp144Glu). The aspartic acid residue is highly conserved and there is a small physicochemical difference between aspartic acid and glutamic acid.

Literature cited by the submitters: PubMed 32025184.